The following is an entry in ClinVar:

NM_004168.4(SDHA):c.-9A>G

Gene: SDHA (succinate dehydrogenase complex flavoprotein subunit A; plus strand). Cytogenetic location: 5p15.33.
Variant type: single nucleotide variant.
Coding change: c.-9A>G on transcript NM_004168.4 (MANE Select); 9 bases upstream of the start codon, A replaced by G.
Molecular consequence: 5 prime UTR variant.
Genome position (GRCh38, 1-based): chr5:218,347, A>G. VCF-style: chr5-218347-A-G. GRCh37 (hg19) VCF-style: chr5-218462-A-G.
Other names: c.-9A>G (NM_001294332.2, NM_001330758.2).
Identifiers: ClinVar variation 3572230 (VCV003572230.1).

ClinVar aggregate classification (germline): Uncertain significance (1 of 4 stars; one submission).

gnomAD v4.1: 53 of 1,451,708 alleles (0.0037%); highest among the groups gnomAD compares: African/African-American, 0.0088%; no homozygotes.

Submission:

Quest Diagnostics Nichols Institute San Juan Capistrano
Classification: Uncertain significance. Last evaluated: 2024-10-02. Review status: criteria provided, single submitter. Criteria: Quest Diagnostics criteria. Collection method: clinical testing. Allele origin: unknown.
Comment: The SDHA c.-9A>G variant has not been reported in individuals with SDHA-related conditions in the published literature. The frequency of this variant in the general population, 0.000022 (3/136500 chromosomes (Genome Aggregation Database)), is uninformative in the assessment of its pathogenicity. Based on the available information, we are unable to determine the clinical significance of this variant.